The following is an entry in ClinVar:

NM_003190.5(TAPBP):c.1103C>T (p.Pro368Leu)

Gene: TAPBP (TAP binding protein; minus strand). Cytogenetic location: 6p21.32.
Variant type: single nucleotide variant.
Coding change: c.1103C>T on transcript NM_003190.5 (MANE Select); coding-DNA position 1103, C replaced by T.
Protein change: p.Pro368Leu; replaces proline 368 with leucine.
Molecular consequence: missense variant.
Genome position (GRCh38, 1-based): chr6:33,304,404, G>A on the plus strand (C>T on the coding strand, the complement: TAPBP is on the minus strand). VCF-style: chr6-33304404-G-A. GRCh37 (hg19) VCF-style: chr6-33272181-G-A.
Other names: c.1103C>T, p.Pro368Leu (NM_172208.3); c.842C>T, p.Pro281Leu (NM_172209.3); short protein forms P281L, P368L.
Identifiers: ClinVar variation 846641 (VCV000846641.12), dbSNP rs139666009, ClinGen allele CA3755723.

ClinVar aggregate classification (germline): Uncertain significance. Review status: criteria provided, multiple submitters, no conflicts (2 of 4 stars). 2 submissions from 2 submitters: Uncertain significance (2). Last evaluated 2025-12-31.

Conditions:
MHC class I deficiency. Identifiers: Orphanet 34592, MedGen C6024714, MONDO:0011476.

Allele frequency attached by ClinVar (database versions not stated): gnomAD exomes 0.00005; 1000 Genomes Project 0.00020; TOPMed 0.00029; 1000 Genomes Project 30x 0.00016; gnomAD 0.00021; ESP Exome Variant Server 0.00046.
gnomAD v4.1: 104 of 1,612,654 alleles (0.0064%); highest among the groups gnomAD compares: African/African-American, 0.064%; no homozygotes.

Submissions (2):

Labcorp Genetics (formerly Invitae), Labcorp
Classification: Uncertain significance for MHC class I deficiency 1. Last evaluated: 2025-12-31. Review status: criteria provided, single submitter. Criteria: Invitae Variant Classification Sherloc (09022015). Collection method: clinical testing. Allele origin: germline.
Comment: This sequence change replaces proline, which is neutral and non-polar, with leucine, which is neutral and non-polar, at codon 368 of the TAPBP protein (p.Pro368Leu). This variant is present in population databases (rs139666009, gnomAD 0.06%), and has an allele count higher than expected for a pathogenic variant. This variant has not been reported in the literature in individuals affected with TAPBP-related conditions. ClinVar contains an entry for this variant (Variation ID: 846641). An algorithm developed to predict the effect of missense changes on protein structure and function outputs the following: PolyPhen-2: "Benign". The leucine amino acid residue is found in multiple mammalian species, which suggests that this missense change does not adversely affect protein function. In summary, the available evidence is currently insufficient to determine the role of this variant in disease. Therefore, it has been classified as a Variant of Uncertain Significance.

Ambry Genetics
Classification: Uncertain significance. Last evaluated: 2025-04-10. Review status: criteria provided, single submitter. Criteria: Ambry Variant Classification Scheme 2023. Collection method: clinical testing. Allele origin: germline.